The following is an entry in ClinVar:

ClinVar aggregate classification (germline): Pathogenic (1 of 4 stars; one submission).

Conditions:
PRPH2-related disorder. Also called: PRPH2-related disorders; PRPH2-related condition. Identifiers: MedGen CN239395.

Submission:

Labcorp Genetics (formerly Invitae), Labcorp
Classification: Pathogenic for PRPH2-related disorder. Last evaluated: 2024-02-20. Review status: criteria provided, single submitter. Criteria: Invitae Variant Classification Sherloc (09022015). Collection method: clinical testing. Allele origin: germline.
Comment: This sequence change creates a premature translational stop signal (p.Gln178*) in the PRPH2 gene. It is expected to result in an absent or disrupted protein product. Loss-of-function variants in PRPH2 are known to be pathogenic (PMID: 8111389, 8485575, 8485576, 8675410, 16916875, 17504850, 22863181, 25675413, 26061163, 27365499, 29555955, 33546218). This variant is not present in population databases (gnomAD no frequency). This variant has not been reported in the literature in individuals affected with PRPH2-related conditions. For these reasons, this variant has been classified as Pathogenic.

Literature cited by the submitters: PubMed 8111389; PubMed 8485575; PubMed 8485576; PubMed 8675410; PubMed 16916875; PubMed 17504850; PubMed 22863181; PubMed 25675413; PubMed 26061163; PubMed 27365499; PubMed 29555955; PubMed 33546218.

NM_000322.5(PRPH2):c.532C>T (p.Gln178Ter)

Gene: PRPH2 (peripherin 2; minus strand). Cytogenetic location: 6p21.1.
Variant type: single nucleotide variant.
Coding change: c.532C>T on transcript NM_000322.5 (MANE Select); coding-DNA position 532, C replaced by T.
Protein change: p.Gln178Ter; replaces glutamine 178 with a stop codon.
Molecular consequence: nonsense.
Genome position (GRCh38, 1-based): chr6:42,721,803, G>A on the plus strand (C>T on the coding strand, the complement: PRPH2 is on the minus strand). VCF-style: chr6-42721803-G-A. GRCh37 (hg19) VCF-style: chr6-42689541-G-A.
Other names: short protein forms Q178*.
Identifiers: ClinVar variation 3640627 (VCV003640627.2).